The following is an entry in ClinVar:

ClinVar aggregate classification (germline): Pathogenic (0 of 4 stars; one submission).

Submission:

GenMed Metabolism Lab
Classification: Pathogenic. Review status: no assertion criteria provided. Collection method: not provided. Allele origin: unknown.
Comment: p.Ala253Thr, Neonatal
ClinVar note: Converted during submission from pathogenic to Pathogenic.

NM_000531.6(OTC):c.757G>A (p.Ala253Thr)

Gene: OTC (ornithine transcarbamylase; plus strand). Cytogenetic location: Xp11.4.
Variant type: single nucleotide variant.
Coding change: c.757G>A on transcript NM_000531.6 (MANE Select); coding-DNA position 757, G replaced by A.
Protein change: p.Ala253Thr; replaces alanine 253 with threonine.
Molecular consequence: missense variant.
Genome position (GRCh38, 1-based): chrX:38,408,915, G>A. VCF-style: chrX-38408915-G-A. GRCh37 (hg19) VCF-style: chrX-38268168-G-A.
Other names: short protein forms A253T.
Identifiers: ClinVar variation 97309 (VCV000097309.2), dbSNP rs67330615, ClinGen allele CA224767.